The following is an entry in ClinVar:

NM_000257.4(MYH7):c.4395G>T (p.Ser1465=)

Genes: MHRT (myosin heavy chain associated RNA transcript; plus strand), MYH7 (myosin heavy chain 7; minus strand). Cytogenetic location: 14q11.2.
Variant type: single nucleotide variant.
Coding change: c.4395G>T on transcript NM_000257.4 (MANE Select); coding-DNA position 4395, G replaced by T.
Protein change: p.Ser1465=; no amino-acid change (serine 1465 retained).
Molecular consequence: synonymous variant. On other transcripts: non-coding transcript variant (1).
Genome position (GRCh38, 1-based): chr14:23,417,277, C>A on the plus strand (G>T on the coding strand, the complement: MYH7 is on the minus strand). VCF-style: chr14-23417277-C-A. GRCh37 (hg19) VCF-style: chr14-23886486-C-A.
Identifiers: ClinVar variation 43014 (VCV000043014.21), dbSNP rs397516213, ClinGen allele CA014932.
Genomic context (GRCh38, chr14:23,417,277, plus strand): 5'-CTTGAGTTTGAAGAGCTCTGTGCTGAGGGAGCGAGCCTCCTTCTGCGAGGACTCCAGCTC[C>A]GACTGCGACTCCTCATACTTCTGCTTCCACTCGGCCAGGATCTGCCCGGGGACAAGGCTC-3'
Protein context (NP_000248.2, residues 1455-1475): EWKQKYEESQ[Ser1465=]ELESSQKEAR

ClinVar aggregate classification (germline): Likely benign. Review status: criteria provided, multiple submitters, no conflicts (2 of 4 stars). 8 submissions from 8 submitters: Likely benign (8). Last evaluated 2026-03-17.

Conditions:
MYH7-related disorder. Also called: MYH7-related condition; MYH7-related disease; MYH7-related disorders.
Cardiovascular phenotype. Identifiers: MedGen CN230736.
Cardiomyopathy (CMYO). Also called: Cardiomyopathies. Identifiers: Orphanet 167848, MedGen C0878544, MONDO:0004994, HP:0001638. Inheritance: Various modes of inheritance.
Hypertrophic cardiomyopathy. Also called: HYPERTROPHIC MYOCARDIOPATHY. Identifiers: Orphanet 217569, MedGen C0007194, MeSH D002312, MONDO:0005045, HP:0001639.

gnomAD v4.1: 64 of 1,614,044 alleles (0.004%); highest among the groups gnomAD compares: South Asian, 0.023%; no homozygotes.

Submissions (8):

PreventionGenetics, part of Exact Sciences
Classification: Likely benign for MYH7-related condition. Last evaluated: 2026-03-17. Review status: criteria provided, single submitter. Criteria: ACMG Guidelines, 2015. Collection method: clinical testing. Allele origin: germline.
Comment: This variant is classified as likely benign based on ACMG/AMP sequence variant interpretation guidelines (Richards et al. 2015 PMID: 25741868, with internal and published modifications).

Labcorp Genetics (formerly Invitae), Labcorp
Classification: Likely benign for Hypertrophic cardiomyopathy. Last evaluated: 2026-01-06. Review status: criteria provided, single submitter. Criteria: Invitae Variant Classification Sherloc (09022015). Collection method: clinical testing. Allele origin: germline.

All of Us Research Program, National Institutes of Health
Classification: Likely benign for Cardiomyopathy. Last evaluated: 2023-12-18. Review status: criteria provided, single submitter. Criteria: ACMG Guidelines, 2015. Collection method: clinical testing. Allele origin: germline. Inheritance: Autosomal dominant inheritance. Observed: 7 variant alleles, 7 heterozygotes.
Comment: This study involves interpretation of variants in research participants for the purpose of population health screening. Participant phenotype was not available at the time of variant classification. Additional details can be found in publication PMID: 35346344, PMCID: PMC8962531

Ambry Genetics
Classification: Likely benign for Cardiovascular phenotype. Last evaluated: 2023-09-07. Review status: criteria provided, single submitter. Criteria: Ambry Variant Classification Scheme 2023. Collection method: clinical testing. Allele origin: germline.

Blueprint Genetics
Classification: Likely benign. Last evaluated: 2023-06-08. Review status: criteria provided, single submitter. Criteria: ACMG Guidelines, 2015. Collection method: clinical testing. Allele origin: germline.

Color Diagnostics, LLC DBA Color Health
Classification: Likely benign for Cardiomyopathy. Last evaluated: 2019-09-09. Review status: criteria provided, single submitter. Criteria: ACMG Guidelines, 2015. Collection method: clinical testing. Allele origin: germline.

GeneDx
Classification: Likely benign. Last evaluated: 2015-10-12. Review status: criteria provided, single submitter. Criteria: GeneDx Variant Classification (06012015). Collection method: clinical testing. Allele origin: germline. Affected: yes.
Comment: This variant is considered likely benign or benign based on one or more of the following criteria: it is a conservative change, it occurs at a poorly conserved position in the protein, it is predicted to be benign by multiple in silico algorithms, and/or has population frequency not consistent with disease.

Laboratory for Molecular Medicine, Mass General Brigham Personalized Medicine
Classification: Likely benign. Last evaluated: 2009-10-15. Review status: criteria provided, single submitter. Criteria: LMM Criteria. Collection method: clinical testing. Allele origin: germline. Observed: 1 variant allele.